The following is an entry in ClinVar:

ClinVar aggregate classification (germline): Conflicting classifications of pathogenicity. Review status: criteria provided, conflicting classifications (1 of 4 stars). 2 submissions from 2 submitters: Likely pathogenic (1); Uncertain significance (1). Last evaluated 2026-03-12.

Conditions:
Renal carnitine transport defect (CDSP). Also called: CARNITINE DEFICIENCY, SYSTEMIC, DUE TO DEFECT IN RENAL REABSORPTION OF CARNITINE; CARNITINE TRANSPORTER, PLASMA-MEMBRANE, DEFICIENCY OF; CARNITINE UPTAKE DEFECT; Primary carnitine deficiency; Systemic primary carnitine deficiency disease; Systemic primary carnitine deficiency. Identifiers: Orphanet 158, MedGen C0342788, MONDO:0008919, OMIM 212140.

Submissions (2):

Myriad Genetics, Inc.
Classification: Uncertain significance for Renal carnitine transport defect. Last evaluated: 2026-03-12. Review status: criteria provided, single submitter. Criteria: Myriad Autosomal Dominant, Autosomal Recessive and X-Linked Classification Criteria (2023). Collection method: clinical testing. Allele origin: unknown.
Comment: NM_003060.3(SLC22A5):c.34G>C(G12R) is a missense variant classified as a variant of uncertain significance in the context of primary carnitine deficiency. G12R has not been observed in cases with relevant disease. Relevant functional assessments of this variant are not available in the literature. G12R has not been observed in referenced population frequency databases. In summary, there is insufficient evidence to classify NM_003060.3(SLC22A5):c.34G>C(G12R) as pathogenic or benign. Please note: this variant was assessed in the context of healthy population screening.

Labcorp Genetics (formerly Invitae), Labcorp
Classification: Likely pathogenic for Renal carnitine transport defect. Last evaluated: 2023-12-12. Review status: criteria provided, single submitter. Criteria: Invitae Variant Classification Sherloc (09022015). Collection method: clinical testing. Allele origin: germline.
Comment: This sequence change replaces glycine, which is neutral and non-polar, with arginine, which is basic and polar, at codon 12 of the SLC22A5 protein (p.Gly12Arg). This variant is not present in population databases (gnomAD no frequency). This variant has not been reported in the literature in individuals affected with SLC22A5-related conditions. Advanced modeling of protein sequence and biophysical properties (such as structural, functional, and spatial information, amino acid conservation, physicochemical variation, residue mobility, and thermodynamic stability) performed at Invitae indicates that this missense variant is expected to disrupt SLC22A5 protein function with a positive predictive value of 95%. This variant disrupts the p.Gly12 amino acid residue in SLC22A5. Other variant(s) that disrupt this residue have been determined to be pathogenic (PMID: 20574985, 28841266). This suggests that this residue is clinically significant, and that variants that disrupt this residue are likely to be disease-causing. In summary, the currently available evidence indicates that the variant is pathogenic, but additional data are needed to prove that conclusively. Therefore, this variant has been classified as Likely Pathogenic.

Literature cited by the submitters: PubMed 20574985 (cited by Labcorp Genetics (formerly Invitae), Labcorp); PubMed 28841266 (cited by Labcorp Genetics (formerly Invitae), Labcorp).

NM_003060.4(SLC22A5):c.34G>C (p.Gly12Arg)

Gene: SLC22A5 (solute carrier family 22 member 5; plus strand). Cytogenetic location: 5q31.1.
Variant type: single nucleotide variant.
Coding change: c.34G>C on transcript NM_003060.4 (MANE Select); coding-DNA position 34, G replaced by C.
Protein change: p.Gly12Arg; replaces glycine 12 with arginine.
Molecular consequence: missense variant.
Genome position (GRCh38, 1-based): chr5:132,370,006, G>C. VCF-style: chr5-132370006-G-C. GRCh37 (hg19) VCF-style: chr5-131705698-G-C.
Other names: c.34G>C, p.Gly12Arg (NM_001308122.2); short protein forms G12R.
Identifiers: ClinVar variation 2766648 (VCV002766648.4), dbSNP rs139203363, ClinGen allele CA360802244.